The following is an entry in ClinVar:

ClinVar aggregate classification (germline): Conflicting classifications of pathogenicity. Review status: criteria provided, conflicting classifications (1 of 4 stars). 4 submissions from 4 submitters: Uncertain significance (1); Likely benign (3). Last evaluated 2025-08-16.

Conditions:
Hereditary cancer-predisposing syndrome. Also called: Tumor predisposition; Neoplastic Syndromes, Hereditary; Hereditary Cancer Syndrome; Hereditary neoplastic syndrome. Identifiers: Orphanet 140162, MedGen C0027672, MeSH D009386, MONDO:0015356.
Ataxia-telangiectasia syndrome (AT). Also called: Ataxia-telangiectasia; Cerebello-oculocutaneous telangiectasia; Immunodeficiency with ataxia telangiectasia; ATAXIA-TELANGIECTASIA, COMPLEMENTATION GROUP A; ATAXIA-TELANGIECTASIA, FRESNO VARIANT; Ataxia-telangiectasia, complementation group D. Identifiers: Orphanet 100, MedGen C0004135, MONDO:0008840, OMIM 208900.

Allele frequency attached by ClinVar (database versions not stated): gnomAD 0.00001; gnomAD exomes 0.00001; TOPMed 0.00001; ExAC 0.00002; ESP Exome Variant Server 0.00008.
gnomAD v4.1: 9 of 1,613,798 alleles (0.00056%); highest among the groups gnomAD compares: Admixed American, 0.0033%; no homozygotes.

Submissions (4):

Labcorp Genetics (formerly Invitae), Labcorp
Classification: Likely benign for Ataxia-telangiectasia syndrome. Last evaluated: 2025-08-16. Review status: criteria provided, single submitter. Criteria: Invitae Variant Classification Sherloc (09022015). Collection method: clinical testing. Allele origin: germline.

GeneDx
Classification: Uncertain significance. Last evaluated: 2023-06-20. Review status: criteria provided, single submitter. Criteria: GeneDx Variant Classification Process June 2021. Collection method: clinical testing. Allele origin: germline. Affected: yes.
Comment: Not observed at significant frequency in large population cohorts (gnomAD); Has not been previously published as pathogenic or benign to our knowledge; In silico analysis suggests this variant may impact gene splicing. In the absence of RNA/functional studies, the actual effect of this sequence change is unknown.

Color Diagnostics, LLC DBA Color Health
Classification: Likely benign for Hereditary cancer-predisposing syndrome. Last evaluated: 2019-09-09. Review status: criteria provided, single submitter. Criteria: ACMG Guidelines, 2015. Collection method: clinical testing. Allele origin: germline.

Ambry Genetics
Classification: Likely benign for Hereditary cancer-predisposing syndrome. Last evaluated: 2018-04-30. Review status: criteria provided, single submitter. Criteria: Ambry Variant Classification Scheme 2023. Collection method: clinical testing. Allele origin: germline.

NM_000051.4(ATM):c.3216A>G (p.Glu1072=)

Gene: ATM (ATM serine/threonine kinase; plus strand). Cytogenetic location: 11q22.3.
Variant type: single nucleotide variant.
Coding change: c.3216A>G on transcript NM_000051.4 (MANE Select); coding-DNA position 3216, A replaced by G.
Protein change: p.Glu1072=; no amino-acid change (glutamic acid 1072 retained).
Molecular consequence: synonymous variant.
Genome position (GRCh38, 1-based): chr11:108,272,784, A>G. VCF-style: chr11-108272784-A-G. GRCh37 (hg19) VCF-style: chr11-108143511-A-G.
Other names: c.3216A>G, p.Glu1072= (NM_001351834.2).
Identifiers: ClinVar variation 414545 (VCV000414545.17), dbSNP rs373699194, ClinGen allele CA6265227.